The following is an entry in ClinVar:

NM_017514.5(PLXNA3):c.714C>T (p.Phe238=)

Gene: PLXNA3 (plexin A3; plus strand). Cytogenetic location: Xq28.
Variant type: single nucleotide variant.
Coding change: c.714C>T on transcript NM_017514.5 (MANE Select); coding-DNA position 714, C replaced by T.
Protein change: p.Phe238=; no amino-acid change (phenylalanine 238 retained).
Molecular consequence: synonymous variant.
Genome position (GRCh38, 1-based): chrX:154,461,218, C>T. VCF-style: chrX-154461218-C-T. GRCh37 (hg19) VCF-style: chrX-153689558-C-T.
Identifiers: ClinVar variation 3047007 (VCV003047007.2), dbSNP rs1478320804, ClinGen allele CA519711499.

ClinVar aggregate classification (germline): Likely benign (0 of 4 stars; one submission).

Conditions:
PLXNA3-related disorder. Also called: PLXNA3-related condition.

Allele frequency attached by ClinVar (database versions not stated): gnomAD 0.00001; gnomAD exomes 0.00002; TOPMed 0.00002.
gnomAD v4.1: 20 of 1,211,740 alleles (0.0017%); highest among the groups gnomAD compares: Non-Finnish European, 0.002%; no homozygotes.

Submission:

PreventionGenetics, part of Exact Sciences
Classification: Likely benign for PLXNA3-related condition. Last evaluated: 2022-08-25. Review status: no assertion criteria provided. Collection method: clinical testing. Allele origin: germline.
Comment: This variant is classified as likely benign based on ACMG/AMP sequence variant interpretation guidelines (Richards et al. 2015 PMID: 25741868, with internal and published modifications).